The following is an entry in ClinVar:

NM_001330078.2(NRXN1):c.14T>C (p.Leu5Pro)

Gene: NRXN1 (neurexin 1; minus strand). Cytogenetic location: 2p16.3.
Variant type: single nucleotide variant.
Coding change: c.14T>C on transcript NM_001330078.2 (MANE Select); coding-DNA position 14, T replaced by C.
Protein change: p.Leu5Pro; replaces leucine 5 with proline.
Molecular consequence: missense variant.
Genome position (GRCh38, 1-based): chr2:51,028,260, A>G on the plus strand (T>C on the coding strand, the complement: NRXN1 is on the minus strand). VCF-style: chr2-51028260-A-G. GRCh37 (hg19) VCF-style: chr2-51255398-A-G.
Other names: c.14T>C, p.Leu5Pro (NM_001330095.2, NM_001330096.2, NM_004801.6 and 15 more transcripts); short protein forms L5P.
Identifiers: ClinVar variation 1318204 (VCV001318204.6), dbSNP rs2105335336, ClinGen allele CA346824883.

ClinVar aggregate classification (germline): Uncertain significance. Review status: criteria provided, multiple submitters, no conflicts (2 of 4 stars). 2 submissions from 2 submitters: Uncertain significance (2). Last evaluated 2022-10-30.

Conditions:
Pitt-Hopkins-like syndrome 2 (PTHSL2). Identifiers: Orphanet 221150, Orphanet 600663, MedGen C3280479, MONDO:0013690, OMIM 614325.

Allele frequency attached by ClinVar (database versions not stated): gnomAD exomes below 0.00001.
gnomAD v4.1: 4 of 1,450,956 alleles (0.00028%); highest among the groups gnomAD compares: South Asian, 0.0044%; no homozygotes.

Submissions (2):

Labcorp Genetics (formerly Invitae), Labcorp
Classification: Uncertain significance for Pitt-Hopkins-like syndrome 2. Last evaluated: 2022-10-30. Review status: criteria provided, single submitter. Criteria: Invitae Variant Classification Sherloc (09022015). Collection method: clinical testing. Allele origin: germline.
Comment: This sequence change replaces leucine, which is neutral and non-polar, with proline, which is neutral and non-polar, at codon 5 of the NRXN1 protein (p.Leu5Pro). This variant is not present in population databases (gnomAD no frequency). This variant has not been reported in the literature in individuals affected with NRXN1-related conditions. ClinVar contains an entry for this variant (Variation ID: 1318204). Algorithms developed to predict the effect of missense changes on protein structure and function output the following: SIFT: "Tolerated"; PolyPhen-2: "Benign"; Align-GVGD: "Class C0". The proline amino acid residue is found in multiple mammalian species, which suggests that this missense change does not adversely affect protein function. In summary, the available evidence is currently insufficient to determine the role of this variant in disease. Therefore, it has been classified as a Variant of Uncertain Significance.

GeneDx
Classification: Uncertain significance. Last evaluated: 2020-01-14. Review status: criteria provided, single submitter. Criteria: GeneDx Variant Classification Process June 2021. Collection method: clinical testing. Allele origin: germline. Affected: yes.
Comment: Not observed in large population cohorts (Lek et al., 2016); In silico analysis, which includes protein predictors and evolutionary conservation, supports that this variant does not alter protein structure/function; Has not been previously published as pathogenic or benign to our knowledge